The following is an entry in ClinVar:

ClinVar aggregate classification (germline): Benign. Review status: criteria provided, single submitter (1 of 4 stars). 2 submissions from 2 submitters: Benign (1). 1 of the submissions does not count toward it. Last evaluated 2025-09-16.

Conditions:
IGSF10-related disorder. Also called: IGSF10-related condition.

Allele frequency attached by ClinVar (database versions not stated): gnomAD exomes 0.00091; ExAC 0.00111; gnomAD 0.00340 and 0.00371; 1000 Genomes Project 0.00359; TOPMed 0.00386; ESP Exome Variant Server 0.00408; 1000 Genomes Project 30x 0.00468.
gnomAD v4.1: 976 of 1,614,144 alleles (0.06%); highest among the groups gnomAD compares: African/African-American, 1.2%; 3 homozygotes.

Submissions (2):

Labcorp Genetics (formerly Invitae), Labcorp
Classification: Benign. Last evaluated: 2025-09-16. Review status: criteria provided, single submitter. Criteria: Invitae Variant Classification Sherloc (09022015). Collection method: clinical testing. Allele origin: germline.

PreventionGenetics, part of Exact Sciences
Classification: Benign for IGSF10-related condition. Last evaluated: 2020-02-05. Review status: no assertion criteria provided. Collection method: clinical testing. Allele origin: germline. Not counted in ClinVar's aggregate classification.
Comment: This variant is classified as benign based on ACMG/AMP sequence variant interpretation guidelines (Richards et al. 2015 PMID: 25741868, with internal and published modifications).

NM_178822.5(IGSF10):c.6447C>T (p.Thr2149=)

Gene: IGSF10 (immunoglobulin superfamily member 10; minus strand). Cytogenetic location: 3q25.1.
Variant type: single nucleotide variant.
Coding change: c.6447C>T on transcript NM_178822.5 (MANE Select); coding-DNA position 6447, C replaced by T.
Protein change: p.Thr2149=; no amino-acid change (threonine 2149 retained).
Molecular consequence: synonymous variant.
Genome position (GRCh38, 1-based): chr3:151,438,114, G>A on the plus strand (C>T on the coding strand, the complement: IGSF10 is on the minus strand). VCF-style: chr3-151438114-G-A. GRCh37 (hg19) VCF-style: chr3-151155902-G-A.
Other names: c.384C>T, p.Thr128= (NM_001178145.3, NM_001178146.3); c.6447C>T, p.Thr2149= (NM_001385060.1, NM_001385061.1, NM_001385062.1 and 1 more transcripts).
Identifiers: ClinVar variation 732951 (VCV000732951.11), dbSNP rs115902666, ClinGen allele CA2669508.